The following is an entry in ClinVar:

ClinVar aggregate classification (germline): Pathogenic/Likely pathogenic. Review status: criteria provided, multiple submitters, no conflicts (2 of 4 stars). 7 submissions from 7 submitters: Pathogenic (1); Likely pathogenic (5). 1 of the submissions does not count toward it. Last evaluated 2025-12-17.

Conditions:
Intellectual disability, autosomal recessive 53 (NEDHSCA). Also called: NEURODEVELOPMENTAL DISORDER WITH OR WITHOUT HYPOTONIA, SEIZURES, AND CEREBELLAR ATROPHY; GLYCOSYLPHOSPHATIDYLINOSITOL BIOSYNTHESIS DEFECT 13; Mental retardation, autosomal recessive 53. Identifiers: Orphanet 488635, MedGen C4310794, MONDO:0014832, OMIM 616917.
PIGG-related disorder. Also called: PIGG-related condition.

Allele frequency attached by ClinVar (database versions not stated): gnomAD exomes 0.00002 and 0.00004; ExAC 0.00005; gnomAD 0.00014; TOPMed 0.00015; 1000 Genomes Project 30x 0.00016; 1000 Genomes Project 0.00020.
gnomAD v4.1: 46 of 1,608,774 alleles (0.0029%); highest among the groups gnomAD compares: African/African-American, 0.045%; no homozygotes.

Submissions (7):

Greenwood Genetic Center Diagnostic Laboratories, Greenwood Genetic Center
Classification: Pathogenic for PIGG-related disorder. Last evaluated: 2025-12-17. Review status: criteria provided, single submitter. Criteria: ACMG Guidelines, 2015. Collection method: clinical testing. Allele origin: germline. Affected: yes.
Comment: PS3, PM2, PM3, PP3

Labcorp Genetics (formerly Invitae), Labcorp
Classification: Likely pathogenic for Intellectual disability, autosomal recessive 53. Last evaluated: 2025-11-29. Review status: criteria provided, single submitter. Criteria: Invitae Variant Classification Sherloc (09022015). Collection method: clinical testing. Allele origin: germline.
Comment: This sequence change replaces glutamine, which is neutral and polar, with proline, which is neutral and non-polar, at codon 851 of the PIGG protein (p.Gln851Pro). This variant is present in population databases (rs150802299, gnomAD 0.03%). This missense change has been observed in individual(s) with PIGG-related conditions (PMID: 34113002). In at least one individual the data is consistent with being in trans (on the opposite chromosome) from a pathogenic variant. ClinVar contains an entry for this variant (Variation ID: 420935). Invitae Evidence Modeling of protein sequence and biophysical properties (such as structural, functional, and spatial information, amino acid conservation, physicochemical variation, residue mobility, and thermodynamic stability) indicates that this missense variant is expected to disrupt PIGG protein function with a positive predictive value of 80%. Experimental studies have shown that this missense change affects PIGG function (PMID: 34113002). In summary, the currently available evidence indicates that the variant is pathogenic, but additional data are needed to prove that conclusively. Therefore, this variant has been classified as Likely Pathogenic.

GeneDx
Classification: Likely pathogenic. Last evaluated: 2025-10-28. Review status: criteria provided, single submitter. Criteria: GeneDx Variant Classification Process June 2021. Collection method: clinical testing. Allele origin: germline. Affected: yes.
Comment: In silico analysis supports that this missense variant has a deleterious effect on protein structure/function; This variant is associated with the following publications: (PMID: 34113002, 38456468)

CeGaT Center for Human Genetics Tuebingen
Classification: Likely pathogenic. Last evaluated: 2024-10-01. Review status: criteria provided, single submitter. Criteria: CeGaT Center For Human Genetics Tuebingen Variant Classification Criteria Version 2. Collection method: clinical testing. Allele origin: germline. Affected: yes. Observed: 1 variant allele.
Comment: PIGG: PM3:Strong, PM2, PS3:Supporting

Women's Health and Genetics/Laboratory Corporation of America, LabCorp
Classification: Likely pathogenic for Intellectual disability, autosomal recessive 53. Last evaluated: 2023-10-23. Review status: criteria provided, single submitter. Criteria: LabCorp Variant Classification Summary - May 2015. Collection method: clinical testing. Allele origin: germline.
Comment: Variant summary: PIGG c.2552A>C (p.Gln851Pro) results in a non-conservative amino acid change in the encoded protein sequence. Three of five in-silico tools predict a damaging effect of the variant on protein function. The variant allele was found at a frequency of 4.4e-05 in 250846 control chromosomes. c.2552A>C has been reported in the literature in compound heterozygous and homozygous individuals affected with Intellectual Disability, Autosomal Recessive associated with GPI deficiency (e.g. Tremblay-Laganiere_2021). These data indicate that the variant may be associated with disease. At least one publication reports experimental evidence evaluating an impact on protein function. The most pronounced variant effect results in reportedly null enzyme activity (e.g.Tremblay-Laganiere_2021). The following publication has been ascertained in the context of this evaluation (PMID: 34113002). Three submitters have cited clinical-significance assessments for this variant to ClinVar after 2014, classifying the variant as likely pathogenic (n=2), or uncertain significance (n=1). Based on the evidence outlined above, the variant was classified as likely pathogenic.

Blueprint Genetics
Classification: Likely pathogenic for PIGG-related disorders. Last evaluated: 2023-08-04. Review status: criteria provided, single submitter. Criteria: ACMG Guidelines, 2015. Collection method: clinical testing. Allele origin: germline. Affected: yes. Observed: 3 variant alleles.

Baylor Genetics
Classification: Uncertain significance for Intellectual disability, autosomal recessive 53. Last evaluated: 2018-01-27. Review status: flagged submission. Criteria: ACMG Guidelines, 2015. Collection method: clinical testing. Allele origin: unknown. Affected: yes. Not counted in ClinVar's aggregate classification.
Comment: This variant was determined to be of uncertain significance according to ACMG Guidelines, 2015 [PMID:25741868].
ClinVar note: Reason: Older and outlier claim with insufficient supporting evidence

Literature cited by the submitters: PubMed 34113002 (cited by Labcorp Genetics (formerly Invitae), Labcorp and Women's Health and Genetics/Laboratory Corporation of America, LabCorp).

NM_001127178.3(PIGG):c.2552A>C (p.Gln851Pro)

Gene: PIGG (phosphatidylinositol glycan anchor biosynthesis class G (EMM blood group); plus strand). Cytogenetic location: 4p16.3.
Variant type: single nucleotide variant.
Coding change: c.2552A>C on transcript NM_001127178.3 (MANE Select); coding-DNA position 2552, A replaced by C.
Protein change: p.Gln851Pro; replaces glutamine 851 with proline.
Molecular consequence: missense variant. On other transcripts: non-coding transcript variant (6).
Genome position (GRCh38, 1-based): chr4:530,726, A>C. VCF-style: chr4-530726-A-C. GRCh37 (hg19) VCF-style: chr4-524515-A-C.
Other names: c.2285A>C, p.Gln762Pro (NM_001289051.2, NM_001345986.2); c.2153A>C, p.Gln718Pro (NM_001289052.2); c.2261A>C, p.Gln754Pro (NM_001345987.2); c.1523A>C, p.Gln508Pro (NM_001345988.2); c.1019A>C, p.Gln340Pro (NM_001345990.2, NM_001345991.2); c.1454A>C, p.Gln485Pro (NM_001345994.2); c.2528A>C, p.Gln843Pro (NM_017733.5); short protein forms Q851P, Q340P, Q508P, Q762P, Q718P, Q754P, Q843P, Q485P.
Identifiers: ClinVar variation 420935 (VCV000420935.35), dbSNP rs150802299, ClinGen allele CA2793654.
Genomic context (GRCh38, chr4:530,726, plus strand): 5'-TCTGGAAGCCCCTGAGACACGATGCAGCTGAGATTACTGTGATGCATTATTGGTTTGGTC[A>C]AGCATTCTTCTATTTTCAGGTAGGTTTTCATTATTATCATGGGTAGTAGACTTCATGTTT-3'
Protein context (NP_001120650.1, residues 841-861): EITVMHYWFG[Gln851Pro]AFFYFQGNSN